The following is an entry in ClinVar:

ClinVar aggregate classification (germline): Likely benign (1 of 4 stars; one submission).

Allele frequency attached by ClinVar (database versions not stated): gnomAD exomes below 0.00001; ExAC 0.00001.
gnomAD v4.1: 1 of 1,614,184 alleles (0.000062%); highest among the groups gnomAD compares: Non-Finnish European, 0.000085%; no homozygotes.

Submission:

CeGaT Center for Human Genetics Tuebingen
Classification: Likely benign. Last evaluated: 2022-12-01. Review status: criteria provided, single submitter. Criteria: CeGaT Center For Human Genetics Tuebingen Variant Classification Criteria Version 2. Collection method: clinical testing. Allele origin: germline. Affected: yes. Observed: 1 variant allele.
Comment: RB1CC1: BP4

NM_014781.5(RB1CC1):c.744A>G (p.Arg248=)

Gene: RB1CC1 (RB1 inducible coiled-coil 1; minus strand). Cytogenetic location: 8q11.23.
Variant type: single nucleotide variant.
Coding change: c.744A>G on transcript NM_014781.5 (MANE Select); coding-DNA position 744, A replaced by G.
Protein change: p.Arg248=; no amino-acid change (arginine 248 retained).
Molecular consequence: synonymous variant.
Genome position (GRCh38, 1-based): chr8:52,674,103, T>C on the plus strand (A>G on the coding strand, the complement: RB1CC1 is on the minus strand). VCF-style: chr8-52674103-T-C. GRCh37 (hg19) VCF-style: chr8-53586663-T-C.
Other names: c.744A>G, p.Arg248= (NM_001083617.2).
Identifiers: ClinVar variation 2658600 (VCV002658600.24), dbSNP rs771919374, ClinGen allele CA4748334.